The following is an entry in ClinVar:

NM_005359.6(SMAD4):c.599T>C (p.Leu200Pro)

Gene: SMAD4 (SMAD family member 4; plus strand). Cytogenetic location: 18q21.2.
Variant type: single nucleotide variant.
Coding change: c.599T>C on transcript NM_005359.6 (MANE Select); coding-DNA position 599, T replaced by C.
Protein change: p.Leu200Pro; replaces leucine 200 with proline.
Molecular consequence: missense variant.
Genome position (GRCh38, 1-based): chr18:51,054,925, T>C. VCF-style: chr18-51054925-T-C. GRCh37 (hg19) VCF-style: chr18-48581295-T-C.
Other names: short protein forms L200P.
Identifiers: ClinVar variation 187443 (VCV000187443.5), dbSNP rs786203737, ClinGen allele CA197663.

ClinVar aggregate classification (germline): Uncertain significance (1 of 4 stars; one submission).

Conditions:
Familial thoracic aortic aneurysm and aortic dissection (TAAD). Also called: Thoracic aortic aneurysms and dissections. Identifiers: Orphanet 91387, MedGen C4707243, MONDO:0019625.
Hereditary cancer-predisposing syndrome. Also called: Neoplastic Syndromes, Hereditary; Tumor predisposition; Hereditary Cancer Syndrome; Hereditary neoplastic syndrome. Identifiers: Orphanet 140162, MedGen C0027672, MeSH D009386, MONDO:0015356.

Submission:

Ambry Genetics
Classification: Uncertain significance for Hereditary cancer-predisposing syndrome; Familial thoracic aortic aneurysm and aortic dissection. Last evaluated: 2014-12-11. Review status: criteria provided, single submitter. Criteria: Ambry Variant Classification Scheme 2023. Collection method: clinical testing. Allele origin: germline.
Comment: The p.L200P variant (also known as c.599T>C), located in coding exon 4 of the SMAD4 gene, results from a T to C substitution at nucleotide position 599. The leucine at codon 200 is replaced by proline, an amino acid with similar properties. This variant was not reported in population based cohorts in the following databases: Database of Single Nucleotide Polymorphisms (dbSNP), NHLBI Exome Sequencing Project (ESP), and 1000 Genomes Project. In the ESP, this variant was not observed in 6503 samples (13006 alleles) with coverage at this position. To date, this alteration has been detected with an allele frequency of approximately 0.005% (greater than 20,000 alleles tested) in our clinical cohort. This amino acid position is well conserved in available vertebrate species. In addition, the in silico prediction for this alteration is inconclusive. Since supporting evidence is limited at this time, the clinical significance of p.L200P remains unclear.